The following is an entry in ClinVar:

NM_001364905.1(LRBA):c.4408A>G (p.Lys1470Glu)

Gene: LRBA (LPS responsive beige-like anchor protein; minus strand). Cytogenetic location: 4q31.3.
Variant type: single nucleotide variant.
Coding change: c.4408A>G on transcript NM_001364905.1 (MANE Select); coding-DNA position 4408, A replaced by G.
Protein change: p.Lys1470Glu; replaces lysine 1470 with glutamic acid.
Molecular consequence: missense variant.
Genome position (GRCh38, 1-based): chr4:150,844,711, T>C on the plus strand (A>G on the coding strand, the complement: LRBA is on the minus strand). VCF-style: chr4-150844711-T-C. GRCh37 (hg19) VCF-style: chr4-151765863-T-C.
Other names: c.4408A>G, p.Lys1470Glu (NM_001199282.3, NM_001367550.1, NM_006726.5); short protein forms K1470E.
Identifiers: ClinVar variation 1045965 (VCV001045965.7), dbSNP rs1342875285, ClinGen allele CA358450891.

ClinVar aggregate classification (germline): Uncertain significance. Review status: criteria provided, multiple submitters, no conflicts (2 of 4 stars). 2 submissions from 2 submitters: Uncertain significance (2). Last evaluated 2025-08-11.

Conditions:
Inborn genetic diseases. Identifiers: MedGen C0950123, MeSH D030342.
Combined immunodeficiency due to LRBA deficiency. Also called: Common variable immunodeficiency 8, with autoimmunity. Identifiers: Orphanet 445018, MedGen C3553512, MONDO:0013863, OMIM 614700.

Allele frequency attached by ClinVar (database versions not stated): gnomAD exomes below 0.00001; TOPMed 0.00001.
gnomAD v4.1: 5 of 1,613,324 alleles (0.00031%); highest among the groups gnomAD compares: Admixed American, 0.0017%; no homozygotes.

Submissions (2):

Ambry Genetics
Classification: Uncertain significance for Inborn genetic diseases. Last evaluated: 2025-08-11. Review status: criteria provided, single submitter. Criteria: Ambry Variant Classification Scheme 2023. Collection method: clinical testing. Allele origin: germline.

Labcorp Genetics (formerly Invitae), Labcorp
Classification: Uncertain significance for Combined immunodeficiency due to LRBA deficiency. Last evaluated: 2020-05-05. Review status: criteria provided, single submitter. Criteria: Invitae Variant Classification Sherloc (09022015). Collection method: clinical testing. Allele origin: germline.
Comment: In summary, the available evidence is currently insufficient to determine the role of this variant in disease. Therefore, it has been classified as a Variant of Uncertain Significance. Algorithms developed to predict the effect of missense changes on protein structure and function (SIFT, PolyPhen-2, Align-GVGD) all suggest that this variant is likely to be tolerated, but these predictions have not been confirmed by published functional studies and their clinical significance is uncertain. This variant has not been reported in the literature in individuals with LRBA-related conditions. This variant is not present in population databases (ExAC no frequency). This sequence change replaces lysine with glutamic acid at codon 1470 of the LRBA protein (p.Lys1470Glu). The lysine residue is weakly conserved and there is a small physicochemical difference between lysine and glutamic acid.